The following is an entry in ClinVar:

ClinVar aggregate classification (germline): Uncertain significance (1 of 4 stars; one submission).

Conditions:
Inborn genetic diseases. Identifiers: MedGen C0950123, MeSH D030342.

gnomAD v4.1: 1 of 1,613,844 alleles (0.000062%); highest among the groups gnomAD compares: South Asian, 0.0011%; no homozygotes.

Submission:

Ambry Genetics
Classification: Uncertain significance for Inborn genetic diseases. Last evaluated: 2024-11-28. Review status: criteria provided, single submitter. Criteria: Ambry Variant Classification Scheme 2023. Collection method: clinical testing. Allele origin: germline.
Comment: The p.V435L variant (also known as c.1303G>T) is located in coding exon 13 of the DDX41 gene. The valine at codon 435 is replaced by leucine, an amino acid with highly similar properties. This change occurs in the first base pair of coding exon 13. This amino acid position is conserved. In addition, this alteration is predicted to be deleterious by in silico analysis. Based on the available evidence, the clinical significance of this variant remains unclear.

NM_016222.4(DDX41):c.1303G>T (p.Val435Leu)

Gene: DDX41 (DEAD-box helicase 41; minus strand). Cytogenetic location: 5q35.3.
Variant type: single nucleotide variant.
Coding change: c.1303G>T on transcript NM_016222.4 (MANE Select); coding-DNA position 1303, G replaced by T.
Protein change: p.Val435Leu; replaces valine 435 with leucine.
Molecular consequence: missense variant.
Genome position (GRCh38, 1-based): chr5:177,512,876, C>A on the plus strand (G>T on the coding strand, the complement: DDX41 is on the minus strand). VCF-style: chr5-177512876-C-A. GRCh37 (hg19) VCF-style: chr5-176939877-C-A.
Other names: c.925G>T, p.Val309Leu (NM_001321732.2, NM_001321830.2); short protein forms V309L, V435L.
Identifiers: ClinVar variation 3500537 (VCV003500537.1).